The following is an entry in ClinVar:

ClinVar aggregate classification (germline): Uncertain significance. Review status: criteria provided, multiple submitters, no conflicts (2 of 4 stars). 7 submissions from 6 submitters: Uncertain significance (7). Last evaluated 2025-11-10.

Conditions:
Dilated cardiomyopathy 1Y (CMD1Y). Identifiers: Orphanet 154, Orphanet 54260, MedGen C2678476, MONDO:0012744, OMIM 611878.
Hypertrophic cardiomyopathy 3. Also called: TPM1-Related Familial Hypertrophic Cardiomyopathy. Identifiers: MedGen C1861863, MONDO:0007267, OMIM 115196.
Cardiovascular phenotype. Identifiers: MedGen CN230736.
Hypertrophic cardiomyopathy. Also called: HYPERTROPHIC MYOCARDIOPATHY. Identifiers: Orphanet 217569, MedGen C0007194, MeSH D002312, MONDO:0005045, HP:0001639.
Cardiomyopathy (CMYO). Also called: Cardiomyopathies. Identifiers: Orphanet 167848, MedGen C0878544, MONDO:0004994, HP:0001638. Inheritance: Various modes of inheritance.

Allele frequency attached by ClinVar (database versions not stated): gnomAD exomes below 0.00001.

Submissions (7):

Labcorp Genetics (formerly Invitae), Labcorp
Classification: Uncertain significance for Hypertrophic cardiomyopathy. Last evaluated: 2025-11-10. Review status: criteria provided, single submitter. Criteria: Invitae Variant Classification Sherloc (09022015). Collection method: clinical testing. Allele origin: germline.
Comment: This sequence change replaces arginine, which is basic and polar, with cysteine, which is neutral and slightly polar, at codon 91 of the TPM1 protein (p.Arg91Cys). This variant is present in population databases (no rsID available, gnomAD 0.0009%). This missense change has been observed in individual(s) with TPM1-related conditions (PMID: 25389285). ClinVar contains an entry for this variant (Variation ID: 888353). An algorithm developed to predict the effect of missense changes on protein structure and function (PolyPhen-2) suggests that this variant is likely to be disruptive. In summary, the available evidence is currently insufficient to determine the role of this variant in disease. Therefore, it has been classified as a Variant of Uncertain Significance.

All of Us Research Program, National Institutes of Health
Classification: Uncertain significance for Hypertrophic cardiomyopathy. Last evaluated: 2023-12-01. Review status: criteria provided, single submitter. Criteria: ACMG Guidelines, 2015. Collection method: clinical testing. Allele origin: germline. Inheritance: Autosomal dominant inheritance. Observed: 2 variant alleles, 2 heterozygotes.
Comment: This missense variant replaces arginine with cysteine at codon 91 of the TPM1 protein. Computational prediction is inconclusive regarding the impact of this variant on protein structure and function (internally defined REVEL score threshold 0.5 < inconclusive < 0.7, PMID: 27666373). Splice site prediction tools suggest that this variant may not impact RNA splicing. To our knowledge, functional studies have not been performed for this variant. This variant has been reported in several Japanese individual affected with hypertrophic cardiomyopathy (PMID: 25389285, 26274955). This variant has been identified in 1/251474 chromosomes in the general population by the Genome Aggregation Database (gnomAD). The available evidence is insufficient to determine the role of this variant in disease conclusively. Therefore, this variant is classified as a Variant of Uncertain Significance.

This study involves interpretation of variants in research participants for the purpose of population health screening. Participant phenotype was not available at the time of variant classification. Additional details can be found in publication PMID: 35346344, PMCID: PMC8962531

Ambry Genetics
Classification: Uncertain significance for Cardiovascular phenotype. Last evaluated: 2022-12-14. Review status: criteria provided, single submitter. Criteria: Ambry Variant Classification Scheme 2023. Collection method: clinical testing. Allele origin: germline.
Comment: The p.R91C variant (also known as c.271C>T), located in coding exon 3 of the TPM1 gene, results from a C to T substitution at nucleotide position 271. The arginine at codon 91 is replaced by cysteine, an amino acid with highly dissimilar properties. This alteration has been reported in an individual with hypertrophic cardiomyopathy (HCM) (Tanaka A et al. J Am Heart Assoc, 2014 Nov;3:e001263). This amino acid position is highly conserved in available vertebrate species. In addition, this alteration is predicted to be deleterious by in silico analysis. Since supporting evidence is limited at this time, the clinical significance of this alteration remains unclear.

Color Diagnostics, LLC DBA Color Health
Classification: Uncertain significance for Cardiomyopathy. Last evaluated: 2019-10-24. Review status: criteria provided, single submitter. Criteria: ACMG Guidelines, 2015. Collection method: clinical testing. Allele origin: germline.
Comment: This missense variant replaces arginine with cysteine at codon 91 of the TPM1 protein. Computational prediction is inconclusive regarding the impact of this variant on protein structure and function (internally defined REVEL score threshold 0.5 < inconclusive < 0.7, PMID: 27666373). Splice site prediction tools suggest that this variant may not impact RNA splicing. To our knowledge, functional studies have not been performed for this variant. This variant has been reported in several Japanese individual affected with hypertrophic cardiomyopathy (PMID: 25389285, 26274955). This variant has been identified in 1/251474 chromosomes in the general population by the Genome Aggregation Database (gnomAD). The available evidence is insufficient to determine the role of this variant in disease conclusively. Therefore, this variant is classified as a Variant of Uncertain Significance.

GeneDx
Classification: Uncertain significance. Last evaluated: 2019-05-14. Review status: criteria provided, single submitter. Criteria: GeneDx Variant Classification Process June 2021. Collection method: clinical testing. Allele origin: germline. Affected: yes.
Comment: Has not been previously published as pathogenic or benign to our knowledge; Not observed at a significant frequency in large population cohorts (Lek et al., 2016); In silico analysis, which includes protein predictors and evolutionary conservation, supports a deleterious effect; Missense variants in nearby residues (I92M, I92T, V95A) have been reported in the Human Gene Mutation Database and at GeneDx in association with cardiomyopathy (Stenson et al., 2014); however additional evidence is needed to definitively determine pathogenicity

Illumina Laboratory Services, Illumina
Classification: Uncertain significance for Hypertrophic cardiomyopathy 3. Last evaluated: 2018-01-12. Review status: criteria provided, single submitter. Criteria: ICSL Variant Classification Criteria 13 December 2019. Collection method: clinical testing. Allele origin: germline.

Illumina Laboratory Services, Illumina
Classification: Uncertain significance for Dilated cardiomyopathy 1Y. Last evaluated: 2018-01-12. Review status: criteria provided, single submitter. Criteria: ICSL Variant Classification Criteria 13 December 2019. Collection method: clinical testing. Allele origin: germline.

Literature cited by the submitters: PubMed 25389285 (cited by 3 submitters); PubMed 26274955 (cited by All of Us Research Program, National Institutes of Health).

NM_001018005.2(TPM1):c.271C>T (p.Arg91Cys)

Gene: TPM1 (tropomyosin 1; plus strand). Cytogenetic location: 15q22.2.
Variant type: single nucleotide variant.
Coding change: c.271C>T on transcript NM_001018005.2 (MANE Select); coding-DNA position 271, C replaced by T.
Protein change: p.Arg91Cys; replaces arginine 91 with cysteine.
Molecular consequence: missense variant.
Genome position (GRCh38, 1-based): chr15:63,057,015, C>T. VCF-style: chr15-63057015-C-T. GRCh37 (hg19) VCF-style: chr15-63349214-C-T.
Other names: c.271C>T, p.Arg91Cys (NM_000366.6, NM_001018004.2, NM_001018006.2 and 6 more transcripts); c.163C>T, p.Arg55Cys (NM_001018008.2, NM_001301289.2, NM_001330344.2 and 5 more transcripts); c.397C>T, p.Arg133Cys (NM_001365778.1); short protein forms R55C, R91C, R133C.
Identifiers: ClinVar variation 888353 (VCV000888353.14), dbSNP rs1266444831, ClinGen allele CA392720707.
Genomic context (GRCh38, chr15:63,057,015, plus strand): 5'-ACTCTGAAATGCTTTTCACTCTCTACCTAGGCTGAAGCCGACGTAGCTTCTCTGAACAGA[C>T]GCATCCAGCTGGTTGAGGAAGAGTTGGATCGTGCCCAGGAGCGTCTGGCAACAGCTTTGC-3'
Protein context (NP_001018005.1, residues 81-101): AEADVASLNR[Arg91Cys]IQLVEEELDR